The following is an entry in ClinVar:

ClinVar aggregate classification (germline): Pathogenic (1 of 4 stars; one submission).

Submission:

Athena Diagnostics
Classification: Pathogenic. Last evaluated: 2024-01-04. Review status: criteria provided, single submitter. Criteria: Athena Diagnostics Criteria. Collection method: clinical testing. Allele origin: unknown.
Comment: This variant is expected to result in the loss of a functional protein. This variant has been identified in at least one individual tested at Athena Diagnostics with clinical features associated with this gene. This variant has not been reported in large, multi-ethnic general populations.

NM_001009944.3(PKD1):c.11824_11878dup (p.Asp3960delinsGlyGlyAlaAspGlyGlyHisGlyThrGlyThrProArgProAlaGlyCysArgTer)

Gene: PKD1 (polycystin 1, transient receptor potential channel interacting; minus strand). Cytogenetic location: 16p13.3.
Variant type: Duplication.
Coding change: c.11824_11878dup on transcript NM_001009944.3 (MANE Select); coding-DNA positions 11824 to 11878, 55 bases duplicated.
Protein change: p.Asp3960delinsGlyGlyAlaAspGlyGlyHisGlyThrGlyThrProArgProAlaGlyCysArgTer.
Molecular consequence: nonsense.
Genome position (GRCh38, 1-based): chr16:2,091,009-2,091,063, 55 bases duplicated. GRCh37 (hg19): chr16:2,141,014-2,141,068.
Other names: c.11821_11875dup, p.Asp3959delinsGlyGlyAlaAspGlyGlyHisGlyThrGlyThrProArgProAlaGlyCysArgTer (NM_000296.4).
Identifiers: ClinVar variation 3571820 (VCV003571820.1).